The following is an entry in ClinVar:

NM_000051.4(ATM):c.4706T>C (p.Val1569Ala)

Gene: ATM (ATM serine/threonine kinase; plus strand). Cytogenetic location: 11q22.3.
Variant type: single nucleotide variant.
Coding change: c.4706T>C on transcript NM_000051.4 (MANE Select); coding-DNA position 4706, T replaced by C.
Protein change: p.Val1569Ala; replaces valine 1569 with alanine.
Molecular consequence: missense variant.
Genome position (GRCh38, 1-based): chr11:108,293,407, T>C. VCF-style: chr11-108293407-T-C. GRCh37 (hg19) VCF-style: chr11-108164134-T-C.
Other names: c.4706T>C, p.Val1569Ala (NM_001351834.2); short protein forms V1569A.
Identifiers: ClinVar variation 856350 (VCV000856350.10), dbSNP rs1555100549, ClinGen allele CA382534882.
Genomic context (GRCh38, chr11:108,293,407, plus strand): 5'-ACAAGGATAATGAAAACCTCTATATCACGATTAAGCTTTTAGATCCTTTTCCTGACCATG[T>C]TGTTTTTAAGGATTTGCGTATTACTCAGCAAAAAATCAAATACAGTAGAGGACCCTTTTC-3'
Protein context (NP_000042.3, residues 1559-1579): IKLLDPFPDH[Val1569Ala]VFKDLRITQQ

ClinVar aggregate classification (germline): Conflicting classifications of pathogenicity. Review status: criteria provided, conflicting classifications (1 of 4 stars). 2 submissions from 2 submitters: Uncertain significance (1); Likely benign (1). Last evaluated 2024-05-06.

Conditions:
Ataxia-telangiectasia syndrome (AT). Also called: Ataxia telangiectasia (A-T); Cerebello-oculocutaneous telangiectasia; Immunodeficiency with ataxia telangiectasia; AT, COMPLEMENTATION GROUP C; ATAXIA-TELANGIECTASIA, COMPLEMENTATION GROUP A; ATAXIA-TELANGIECTASIA, FRESNO VARIANT. Identifiers: Orphanet 100, MedGen C0004135, MONDO:0008840, OMIM 208900.
Hereditary cancer-predisposing syndrome. Also called: Hereditary neoplastic syndrome; Tumor predisposition; Neoplastic Syndromes, Hereditary; Hereditary Cancer Syndrome. Identifiers: Orphanet 140162, MedGen C0027672, MeSH D009386, MONDO:0015356.

Allele frequency attached by ClinVar (database versions not stated): gnomAD exomes below 0.00001.
gnomAD v4.1: 1 of 1,611,998 alleles (0.000062%); highest among the groups gnomAD compares: South Asian, 0.0011%; no homozygotes.

Submissions (2):

Ambry Genetics
Classification: Likely benign for Hereditary cancer-predisposing syndrome. Last evaluated: 2024-05-06. Review status: criteria provided, single submitter. Criteria: Ambry Variant Classification Scheme 2023. Collection method: clinical testing. Allele origin: germline.

Labcorp Genetics (formerly Invitae), Labcorp
Classification: Uncertain significance for Ataxia-telangiectasia syndrome. Last evaluated: 2023-11-17. Review status: criteria provided, single submitter. Criteria: Invitae Variant Classification Sherloc (09022015). Collection method: clinical testing. Allele origin: germline.
Comment: This sequence change replaces valine, which is neutral and non-polar, with alanine, which is neutral and non-polar, at codon 1569 of the ATM protein (p.Val1569Ala). This variant is not present in population databases (gnomAD no frequency). This missense change has been observed in individual(s) with breast cancer (PMID: 30287823). ClinVar contains an entry for this variant (Variation ID: 856350). Algorithms developed to predict the effect of missense changes on protein structure and function output the following: SIFT: "Not Available"; PolyPhen-2: "Benign"; Align-GVGD: "Not Available". The alanine amino acid residue is found in multiple mammalian species, which suggests that this missense change does not adversely affect protein function. In summary, the available evidence is currently insufficient to determine the role of this variant in disease. Therefore, it has been classified as a Variant of Uncertain Significance.

Literature cited by the submitters: PubMed 30287823 (cited by Ambry Genetics and Labcorp Genetics (formerly Invitae), Labcorp).